The following is an entry in ClinVar:

ClinVar aggregate classification (germline): Uncertain significance (1 of 4 stars; one submission).

gnomAD v4.1: 1 of 1,210,707 alleles (0.000083%); highest among the groups gnomAD compares: East Asian, 0.003%; no homozygotes.

Submission:

GeneDx
Classification: Uncertain significance. Last evaluated: 2025-04-10. Review status: criteria provided, single submitter. Criteria: GeneDx Variant Classification Process June 2021. Collection method: clinical testing. Allele origin: germline. Affected: yes.
Comment: Not observed at significant frequency in large population cohorts (gnomAD); In silico analysis supports that this missense variant has a deleterious effect on protein structure/function; Has not been previously published as pathogenic or benign to our knowledge

NM_001099922.3(ALG13):c.3293G>C (p.Trp1098Ser)

Gene: ALG13 (ALG13 UDP-N-acetylglucosaminyltransferase subunit; plus strand). Cytogenetic location: Xq23.
Variant type: single nucleotide variant.
Coding change: c.3293G>C on transcript NM_001099922.3 (MANE Select); coding-DNA position 3293, G replaced by C.
Protein change: p.Trp1098Ser; replaces tryptophan 1098 with serine.
Molecular consequence: missense variant. On other transcripts: non-coding transcript variant (1).
Genome position (GRCh38, 1-based): chrX:111,759,878, G>C. VCF-style: chrX-111759878-G-C. GRCh37 (hg19) VCF-style: chrX-111003106-G-C.
Other names: c.2744G>C, p.Trp915Ser (NM_001257230.2, NM_001257234.2, NM_001257237.2); c.3059G>C, p.Trp1020Ser (NM_001257231.2); c.3056G>C, p.Trp1019Ser (NM_001324292.2); c.2570G>C, p.Trp857Ser (NM_001324293.1); short protein forms W1019S, W1020S, W1098S, W857S, W915S.
Identifiers: ClinVar variation 4281980 (VCV004281980.1).
Genomic context (GRCh38, chrX:111,759,878, plus strand): 5'-CTTTGCCAGGTTTTGACTCCTGCCTTCCGGTTGTGCCAGATTATTCCTGTGTTCCCCCCT[G>C]GCATCCAGTTGGTACAGCATATGGTGGTTCTTCTCAAATTCATGGTGCTATAAATCCTGG-3'
Protein context (NP_001093392.1, residues 1088-1108): VVPDYSCVPP[Trp1098Ser]HPVGTAYGGS